The following is an entry in ClinVar:

NM_001367805.3(KIF23):c.1492G>A (p.Glu498Lys)

Gene: KIF23 (kinesin family member 23; plus strand). Cytogenetic location: 15q23.
Variant type: single nucleotide variant.
Coding change: c.1492G>A on transcript NM_001367805.3 (MANE Select); coding-DNA position 1492, G replaced by A.
Protein change: p.Glu498Lys; replaces glutamic acid 498 with lysine.
Molecular consequence: missense variant. On other transcripts: non-coding transcript variant (2).
Genome position (GRCh38, 1-based): chr15:69,436,617, G>A. VCF-style: chr15-69436617-G-A. GRCh37 (hg19) VCF-style: chr15-69728956-G-A.
Other names: c.1120G>A, p.Glu374Lys (NM_001281301.2); c.1450G>A, p.Glu484Lys (NM_001367804.2, NM_004856.7, NM_138555.4); short protein forms E374K, E498K, E484K.
Identifiers: ClinVar variation 2342254 (VCV002342254.4), dbSNP rs373766712, ClinGen allele CA7635208.
Genomic context (GRCh38, chr15:69,436,617, plus strand): 5'-AATACAGAACCATTGGTTACTGACGTGGTTTTGCAGAGTTTTCCACCTTTGCCATCATGC[G>A]AAATTTTGGATATCAACGATGAGCAGACACTTCCAAGGCTGATTGAAGCCTTAGAGAAAC-3'
Protein context (NP_001354734.1, residues 488-508): LQSFPPLPSC[Glu498Lys]ILDINDEQTL

ClinVar aggregate classification (germline): Uncertain significance. Review status: criteria provided, multiple submitters, no conflicts (2 of 4 stars). 2 submissions from 2 submitters: Uncertain significance (2). Last evaluated 2025-12-11.

Allele frequency attached by ClinVar (database versions not stated): gnomAD 0.00004; gnomAD exomes 0.00004; TOPMed 0.00005; ExAC 0.00004; 1000 Genomes Project 30x 0.00016; ESP Exome Variant Server 0.00008; 1000 Genomes Project 0.00020.
gnomAD v4.1: 68 of 1,612,546 alleles (0.0042%); highest among the groups gnomAD compares: Admixed American, 0.0067%; no homozygotes.

Submissions (2):

Labcorp Genetics (formerly Invitae), Labcorp
Classification: Uncertain significance. Last evaluated: 2025-12-11. Review status: criteria provided, single submitter. Criteria: Invitae Variant Classification Sherloc (09022015). Collection method: clinical testing. Allele origin: germline.
Comment: This sequence change replaces glutamic acid, which is acidic and polar, with lysine, which is basic and polar, at codon 484 of the KIF23 protein (p.Glu484Lys). This variant is present in population databases (rs373766712, gnomAD 0.01%). This variant has not been reported in the literature in individuals affected with KIF23-related conditions. ClinVar contains an entry for this variant (Variation ID: 2342254). Invitae Evidence Modeling of protein sequence and biophysical properties (such as structural, functional, and spatial information, amino acid conservation, physicochemical variation, residue mobility, and thermodynamic stability) indicates that this missense variant is not expected to disrupt KIF23 protein function with a negative predictive value of 80%. In summary, the available evidence is currently insufficient to determine the role of this variant in disease. Therefore, it has been classified as a Variant of Uncertain Significance.

Ambry Genetics
Classification: Uncertain significance. Last evaluated: 2021-12-08. Review status: criteria provided, single submitter. Criteria: Ambry Variant Classification Scheme 2023. Collection method: clinical testing. Allele origin: germline.